The following is an entry in ClinVar:

NC_000006.11:g.(128411138_128505576)_(128718834_128841403)del

Gene: PTPRK (protein tyrosine phosphatase receptor type K; minus strand). Cytogenetic location: 6q22.33.
Variant type: Deletion.
Identifiers: ClinVar variation 4887787 (VCV004887787.1).

ClinVar aggregate classification (germline): Uncertain significance (1 of 4 stars; one submission).

Submission:

Women's Health and Genetics/Laboratory Corporation of America, LabCorp
Classification: Uncertain significance. Last evaluated: 2026-06-19. Review status: criteria provided, single submitter. Criteria: LabCorp Variant Classification Summary - May 2015. Collection method: clinical testing. Allele origin: germline.
Comment: Variant summary: The variant involves the deletion of exons 2-7 in the PTPRK gene. A presumed nomenclature of c.(100+1_101-1)_(1162+1_1163-1)del has been designated for the purposes of this classification. This Copy Number Variant (CNV) is predicted to result in an in-frame deletion within this gene. Current evidence is not sufficient to establish loss of function as a mechanism for disease. The variant was absent in 120780 control chromosomes in the gnomAD database (Structural Variants v4.1 dataset). The available data on variant occurrences in the general population are insufficient to allow any conclusion about variant significance. To our knowledge, no occurrence of c.(100+1_101-1)_(1162+1_1163-1)del in individuals affected with PTPRK-related conditions and no experimental evidence demonstrating its impact on protein function have been reported. No submitters have cited clinical-significance assessments for this variant to ClinVar. Based on the evidence outlined above, the variant was classified as uncertain significance.